The following is an entry in ClinVar:

NM_006796.3(AFG3L2):c.1761C>T (p.His587=)

Gene: AFG3L2 (AFG3 like matrix AAA peptidase subunit 2; minus strand). Cytogenetic location: 18p11.21.
Variant type: single nucleotide variant.
Coding change: c.1761C>T on transcript NM_006796.3 (MANE Select); coding-DNA position 1761, C replaced by T.
Protein change: p.His587=; no amino-acid change (histidine 587 retained).
Molecular consequence: synonymous variant.
Genome position (GRCh38, 1-based): chr18:12,344,150, G>A on the plus strand (C>T on the coding strand, the complement: AFG3L2 is on the minus strand). VCF-style: chr18-12344150-G-A. GRCh37 (hg19) VCF-style: chr18-12344149-G-A.
Identifiers: ClinVar variation 389397 (VCV000389397.28), dbSNP rs367992548, ClinGen allele CA8896413.

ClinVar aggregate classification (germline): Likely benign. Review status: criteria provided, multiple submitters, no conflicts (2 of 4 stars). 3 submissions from 3 submitters: Likely benign (3). Last evaluated 2025-08-15.

Allele frequency attached by ClinVar (database versions not stated): gnomAD exomes 0.00010 and 0.00006; 1000 Genomes Project 30x 0.00016; 1000 Genomes Project 0.00020; TOPMed 0.00005; gnomAD 0.00006; ESP Exome Variant Server 0.00008; ExAC 0.00010.
gnomAD v4.1: 106 of 1,613,542 alleles (0.0066%); highest among the groups gnomAD compares: East Asian, 0.027%; no homozygotes.

Submissions (3):

Labcorp Genetics (formerly Invitae), Labcorp
Classification: Likely benign. Last evaluated: 2025-08-15. Review status: criteria provided, single submitter. Criteria: Invitae Variant Classification Sherloc (09022015). Collection method: clinical testing. Allele origin: germline.

CeGaT Center for Human Genetics Tuebingen
Classification: Likely benign. Last evaluated: 2024-05-01. Review status: criteria provided, single submitter. Criteria: CeGaT Center For Human Genetics Tuebingen Variant Classification Criteria Version 2. Collection method: clinical testing. Allele origin: germline. Affected: yes. Observed: 1 variant allele.
Comment: AFG3L2: BP4, BP7

GeneDx
Classification: Likely benign. Last evaluated: 2018-02-12. Review status: criteria provided, single submitter. Criteria: GeneDx Variant Classification (06012015). Collection method: clinical testing. Allele origin: germline. Affected: yes.
Comment: This variant is considered likely benign or benign based on one or more of the following criteria: it is a conservative change, it occurs at a poorly conserved position in the protein, it is predicted to be benign by multiple in silico algorithms, and/or has population frequency not consistent with disease.